The following is an entry in ClinVar:

ClinVar aggregate classification (germline): Likely benign (0 of 4 stars; one submission).

Conditions:
FOXF2-related disorder. Also called: FOXF2-related condition.

gnomAD v4.1: 2 of 1,388,454 alleles (0.00014%); highest among the groups gnomAD compares: African/African-American, 0.003%; no homozygotes.

Submission:

PreventionGenetics, part of Exact Sciences
Classification: Likely benign for FOXF2-related condition. Last evaluated: 2023-09-25. Review status: no assertion criteria provided. Collection method: clinical testing. Allele origin: germline.
Comment: This variant is classified as likely benign based on ACMG/AMP sequence variant interpretation guidelines (Richards et al. 2015 PMID: 25741868, with internal and published modifications).

NM_001452.2(FOXF2):c.126G>A (p.Pro42=)

Genes: FOXF2 (forkhead box F2; plus strand), FOXF2-DT (FOXF2 divergent transcript; minus strand). Cytogenetic location: 6p25.3.
Variant type: single nucleotide variant.
Coding change: c.126G>A on transcript NM_001452.2 (MANE Select); coding-DNA position 126, G replaced by A.
Protein change: p.Pro42=; no amino-acid change (proline 42 retained).
Molecular consequence: synonymous variant.
Genome position (GRCh38, 1-based): chr6:1,390,073, G>A. VCF-style: chr6-1390073-G-A. GRCh37 (hg19) VCF-style: chr6-1390308-G-A.
Identifiers: ClinVar variation 3031764 (VCV003031764.2), dbSNP rs1410650849, ClinGen allele CA448392546.
Genomic context (GRCh38, chr6:1,390,073, plus strand): 5'-GCTCCAGGCCGCCCTGATGAGCCCGCCGCCCGCCGCCGCCGCCGCCGCCGCCGCCGCCCC[G>A]GAGACCACCTCCTCCTCCTCGTCGTCGTCCTCCGCCTCCTGCGCCTCGTCCTCGTCCTCC-3'
Protein context (NP_001443.1, residues 32-52): PAAAAAAAAA[Pro42=]ETTSSSSSSS